The following is an entry in ClinVar:

NM_003565.4(ULK1):c.135C>T (p.Val45=)

Gene: ULK1 (unc-51 like autophagy activating kinase 1; plus strand). Cytogenetic location: 12q24.33.
Variant type: single nucleotide variant.
Coding change: c.135C>T on transcript NM_003565.4 (MANE Select); coding-DNA position 135, C replaced by T.
Protein change: p.Val45=; no amino-acid change (valine 45 retained).
Molecular consequence: synonymous variant.
Genome position (GRCh38, 1-based): chr12:131,895,624, C>T. VCF-style: chr12-131895624-C-T. GRCh37 (hg19) VCF-style: chr12-132380169-C-T.
Identifiers: ClinVar variation 2643610 (VCV002643610.24), dbSNP rs144096667, ClinGen allele CA6882317.

ClinVar aggregate classification (germline): Likely benign (1 of 4 stars; one submission).

Allele frequency attached by ClinVar (database versions not stated): ESP Exome Variant Server 0.00062; TOPMed 0.00062; gnomAD exomes 0.00082; ExAC 0.00110; gnomAD 0.00124.
gnomAD v4.1: 1,384 of 1,613,854 alleles (0.086%); highest among the groups gnomAD compares: Non-Finnish European, 0.079%; 3 homozygotes.

Submission:

CeGaT Center for Human Genetics Tuebingen
Classification: Likely benign. Last evaluated: 2022-07-01. Review status: criteria provided, single submitter. Criteria: CeGaT Center For Human Genetics Tuebingen Variant Classification Criteria Version 2. Collection method: clinical testing. Allele origin: germline. Affected: yes. Observed: 1 variant allele.
Comment: ULK1: BP4, BP7